The following is an entry in ClinVar:

NM_153006.3(NAGS):c.83C>T (p.Ala28Val)

Gene: NAGS (N-acetylglutamate synthase; plus strand). Cytogenetic location: 17q21.31.
Variant type: single nucleotide variant.
Coding change: c.83C>T on transcript NM_153006.3 (MANE Select); coding-DNA position 83, C replaced by T.
Protein change: p.Ala28Val; replaces alanine 28 with valine.
Molecular consequence: missense variant.
Genome position (GRCh38, 1-based): chr17:44,004,746, C>T. VCF-style: chr17-44004746-C-T. GRCh37 (hg19) VCF-style: chr17-42082114-C-T.
Other names: short protein forms A28V.
Identifiers: ClinVar variation 2417957 (VCV002417957.3), dbSNP rs2509277130, ClinGen allele CA399736747.

ClinVar aggregate classification (germline): Uncertain significance (1 of 4 stars; one submission).

Conditions:
Hyperammonemia, type III (NAGSD). Also called: Hyperammonemia due to N-acetylglutamate synthase deficiency. Identifiers: Orphanet 927, MedGen C0268543, MONDO:0009377, OMIM 237310.

Allele frequency attached by ClinVar (database versions not stated): gnomAD exomes below 0.00001.
gnomAD v4.1: 2 of 1,460,142 alleles (0.00014%); highest among the groups gnomAD compares: Non-Finnish European, 0.00009%; no homozygotes.

Submission:

Labcorp Genetics (formerly Invitae), Labcorp
Classification: Uncertain significance for Hyperammonemia, type III. Last evaluated: 2021-09-02. Review status: criteria provided, single submitter. Criteria: Invitae Variant Classification Sherloc (09022015). Collection method: clinical testing. Allele origin: germline.
Comment: This sequence change replaces alanine with valine at codon 28 of the NAGS protein (p.Ala28Val). The alanine residue is weakly conserved and there is a small physicochemical difference between alanine and valine. This variant is not present in population databases (ExAC no frequency). This variant has not been reported in the literature in individuals affected with NAGS-related conditions. Algorithms developed to predict the effect of missense changes on protein structure and function are either unavailable or do not agree on the potential impact of this missense change (SIFT: "Tolerated"; PolyPhen-2: "Possibly Damaging"; Align-GVGD: "Class C0"). In summary, the available evidence is currently insufficient to determine the role of this variant in disease. Therefore, it has been classified as a Variant of Uncertain Significance.